The following is an entry in ClinVar:

NM_001042492.3(NF1):c.4311_4315delinsA (p.Arg1437_Gly1438insTer)

Gene: NF1 (neurofibromin 1; plus strand). Cytogenetic location: 17q11.2.
Variant type: Indel.
Coding change: c.4311_4315delinsA on transcript NM_001042492.3 (MANE Select); coding-DNA positions 4311 to 4315, GGGCT replaced by A.
Protein change: p.Arg1437_Gly1438insTer.
Molecular consequence: frameshift variant.
Genome position (GRCh38, 1-based): chr17:31,258,481-31,258,485, GGGCT replaced by A. VCF-style: chr17-31258481-GGGCT-A. GRCh37 (hg19) VCF-style: chr17-29585499-GGGCT-A.
Other names: c.4248_4252delinsA, p.Arg1416_Gly1417insTer (NM_000267.4).
Identifiers: ClinVar variation 4615734 (VCV004615734.1).

ClinVar aggregate classification (germline): Pathogenic (1 of 4 stars; one submission).

Conditions:
Cardiovascular phenotype. Identifiers: MedGen CN230736.
Hereditary cancer-predisposing syndrome. Also called: Neoplastic Syndromes, Hereditary; Tumor predisposition; Hereditary Cancer Syndrome; Hereditary neoplastic syndrome. Identifiers: Orphanet 140162, MedGen C0027672, MeSH D009386, MONDO:0015356.

Submission:

Ambry Genetics
Classification: Pathogenic for Cardiovascular phenotype; Hereditary cancer-predisposing syndrome. Last evaluated: 2025-10-07. Review status: criteria provided, single submitter. Criteria: Ambry Variant Classification Scheme 2023. Collection method: clinical testing. Allele origin: germline.
Comment: The c.4248_4252delGGGCTinsA pathogenic mutation, located in coding exon 31 of the NF1 gene, results from the deletion of 5 nucleotides and insertion of one nucleotide causing a translational frameshift with a predicted alternate stop codon (p.G1417*). This variant is considered to be rare based on population cohorts in the Genome Aggregation Database (gnomAD). This alteration is expected to result in loss of function by premature protein truncation or nonsense-mediated mRNA decay. As such, this alteration is interpreted as a disease-causing mutation.